The following is an entry in ClinVar:

ClinVar aggregate classification (germline): Uncertain significance (1 of 4 stars; one submission).

Submission:

Labcorp Genetics (formerly Invitae), Labcorp
Classification: Uncertain significance. Last evaluated: 2021-10-06. Review status: criteria provided, single submitter. Criteria: Invitae Variant Classification Sherloc (09022015). Collection method: clinical testing. Allele origin: germline.
Comment: This variant is not present in population databases (ExAC no frequency). This variant, c.1501_1506del, results in the deletion of 2 amino acid(s) of the PHEX protein (p.Asp501_Tyr502del), but otherwise preserves the integrity of the reading frame. This variant has been observed in individual(s) with hypophosphatemic rickets (Invitae). In summary, the available evidence is currently insufficient to determine the role of this variant in disease. Therefore, it has been classified as a Variant of Uncertain Significance. Experimental studies and prediction algorithms are not available or were not evaluated, and the functional significance of this variant is currently unknown.

NM_000444.6(PHEX):c.1501_1506del (p.Asp501_Tyr502del)

Gene: PHEX (phosphate regulating endopeptidase X-linked; plus strand). Cytogenetic location: Xp22.11.
Variant type: Deletion.
Coding change: c.1501_1506del on transcript NM_000444.6 (MANE Select); coding-DNA positions 1501 to 1506, 6 bases deleted (GACTAC; older notation c.1501_1506delGACTAC).
Protein change: p.Asp501_Tyr502del.
Molecular consequence: inframe deletion.
Genome position (GRCh38, 1-based): chrX:22,178,291-22,178,296, GACTAC deleted; deleting any 6 consecutive bases within chrX:22,178,290-22,178,296 gives the same sequence; the c. name uses the placement nearest the transcript's 3' end. VCF-style (leftmost placement, unchanged base first): chrX-22178289-CCGACTA-C. GRCh37 (hg19) VCF-style: chrX-22196406-CCGACTA-C.
Other names: c.1501_1506del, p.Asp501_Tyr502del (NM_001282754.2).
Identifiers: ClinVar variation 1523223 (VCV001523223.6), dbSNP rs2147128100, ClinGen allele CA2573158620.